The following is an entry in ClinVar:

NM_001278716.2(FBXL4):c.1468A>G (p.Lys490Glu)

Gene: FBXL4 (F-box and leucine rich repeat protein 4; minus strand). Cytogenetic location: 6q16.1.
Variant type: single nucleotide variant.
Coding change: c.1468A>G on transcript NM_001278716.2 (MANE Select); coding-DNA position 1468, A replaced by G.
Protein change: p.Lys490Glu; replaces lysine 490 with glutamic acid.
Molecular consequence: missense variant. On other transcripts: non-coding transcript variant (1).
Genome position (GRCh38, 1-based): chr6:98,875,649, T>C on the plus strand (A>G on the coding strand, the complement: FBXL4 is on the minus strand). VCF-style: chr6-98875649-T-C. GRCh37 (hg19) VCF-style: chr6-99323525-T-C.
Other names: c.1468A>G, p.Lys490Glu (NM_012160.5); short protein forms K490E.
Identifiers: ClinVar variation 437761 (VCV000437761.1), dbSNP rs781339281, ClinGen allele CA3933434.

ClinVar aggregate classification (germline): Uncertain significance (1 of 4 stars; one submission).

Conditions:
Mitochondrial DNA depletion syndrome 13. Also called: FBXL4-Related Encephalomyopathic Mitochondrial DNA Depletion Syndrome; Mitochondrial DNA depletion syndrome 13 (encephalomyopathic type). Identifiers: Orphanet 369897, MedGen C3809592, MONDO:0014198, OMIM 615471.

Allele frequency attached by ClinVar (database versions not stated): gnomAD exomes below 0.00001; TOPMed below 0.00001; ExAC 0.00001.

Submission:

Wong Mito Lab, Molecular and Human Genetics, Baylor College of Medicine
Classification: Uncertain significance for Mitochondrial DNA depletion syndrome 13. Last evaluated: 2017-08-10. Review status: criteria provided, single submitter. Criteria: ACMG Guidelines, 2015. Collection method: reference population. Allele origin: germline.
Comment: The NM_012160.4:c.1468A>G (NP_036292.2:p.Lys490Glu) [GRCH38: NC_000006.12:g.98875649T>C] variant in FBXL4 gene is interpretated to be a Uncertain Significance - Insufficient Evidence based on ACMG guidelines (PMID: 25741868). This variant meets one or more of the following evidence codes reported in the ACMG-guideline. PM2:This variant is absent in key population databases. Based on this evidence code ClinGen Pathogenicity Calculator (PMID:28081714) suggested that the variant is Uncertain Significance - Insufficient Evidence.